The following is an entry in ClinVar:

ClinVar aggregate classification (germline): Uncertain significance. Review status: criteria provided, multiple submitters, no conflicts (2 of 4 stars). 4 submissions from 4 submitters: Uncertain significance (3). 1 of the submissions does not count toward it. Last evaluated 2023-09-06.

Conditions:
Deficiency of guanidinoacetate methyltransferase (CCDS2). Also called: GAMT DEFICIENCY; Guanidinoacetate Methyltransferase (GAMT) Deficiency; CEREBRAL CREATINE DEFICIENCY SYNDROME 2. Identifiers: Orphanet 382, MedGen C0574080, MONDO:0012999, OMIM 612736.
Cerebral creatine deficiency syndrome. Also called: Creatine deficiency syndromes. Identifiers: Orphanet 79172, MedGen C5244016, MONDO:0000456.

Allele frequency attached by ClinVar (database versions not stated): TOPMed 0.00001; ESP Exome Variant Server 0.00008.

Submissions (4):

Blueprint Genetics
Classification: Uncertain significance. Last evaluated: 2023-09-06. Review status: criteria provided, single submitter. Criteria: ACMG Guidelines, 2015. Collection method: clinical testing. Allele origin: germline.

Labcorp Genetics (formerly Invitae), Labcorp
Classification: Uncertain significance for Cerebral creatine deficiency syndrome. Last evaluated: 2022-08-16. Review status: criteria provided, single submitter. Criteria: Invitae Variant Classification Sherloc (09022015). Collection method: clinical testing. Allele origin: germline.
Comment: This sequence change replaces proline, which is neutral and non-polar, with glutamine, which is neutral and polar, at codon 217 of the GAMT protein (p.Pro217Gln). The frequency data for this variant in the population databases is considered unreliable, as metrics indicate poor data quality at this position in the gnomAD database. This variant has not been reported in the literature in individuals affected with GAMT-related conditions. ClinVar contains an entry for this variant (Variation ID: 1022526). Algorithms developed to predict the effect of missense changes on protein structure and function are either unavailable or do not agree on the potential impact of this missense change (SIFT: "Deleterious"; PolyPhen-2: "Probably Damaging"; Align-GVGD: "Class C0"). Algorithms developed to predict the effect of sequence changes on RNA splicing suggest that this variant may create or strengthen a splice site. In summary, the available evidence is currently insufficient to determine the role of this variant in disease. Therefore, it has been classified as a Variant of Uncertain Significance.

Fulgent Genetics
Classification: Uncertain significance for Deficiency of guanidinoacetate methyltransferase. Last evaluated: 2021-12-08. Review status: criteria provided, single submitter. Criteria: ACMG Guidelines, 2015. Collection method: clinical testing. Allele origin: unknown.

Natera, Inc.
Classification: Uncertain significance for Guanidinoacetate methyltransferase deficiency. Last evaluated: 2020-10-23. Review status: no assertion criteria provided. Collection method: clinical testing. Allele origin: germline. Not counted in ClinVar's aggregate classification.

NM_000156.6(GAMT):c.650C>A (p.Pro217Gln)

Gene: GAMT (guanidinoacetate N-methyltransferase; minus strand). Cytogenetic location: 19p13.3.
Variant type: single nucleotide variant.
Coding change: c.650C>A on transcript NM_000156.6 (MANE Select); coding-DNA position 650, C replaced by A.
Protein change: p.Pro217Gln; replaces proline 217 with glutamine.
Molecular consequence: missense variant.
Genome position (GRCh38, 1-based): chr19:1,397,420, G>T on the plus strand (C>A on the coding strand, the complement: GAMT is on the minus strand). VCF-style: chr19-1397420-G-T. GRCh37 (hg19) VCF-style: chr19-1397419-G-T.
Other names: short protein forms P217Q.
Identifiers: ClinVar variation 1022526 (VCV001022526.5), dbSNP rs139890971, ClinGen allele CA9043543.
Genomic context (GRCh38, chr19:1,397,420, plus strand): 5'-CAGCCTTTGGTCACCAGGGGCGTGATCATCTGTGGGAAGGCGTAGTAGCGGCAGTCGGCC[G>T]GTGGGACCAGCGCCATCACCTCCGTACGGATGTTCTCCCTCCGGAAGCCGGCCTCCAGCA-3'
Protein context (NP_000147.1, residues 207-227): IRTEVMALVP[Pro217Gln]ADCRYYAFPQ